The following is an entry in ClinVar:

NM_001354587.1(ANKRD36):c.1584C>T (p.Pro528=)

Gene: ANKRD36 (ankyrin repeat domain 36; plus strand). Cytogenetic location: 2q11.2.
Variant type: single nucleotide variant.
Coding change: c.1584C>T on transcript NM_001354587.1 (MANE Select); coding-DNA position 1584, C replaced by T.
Protein change: p.Pro528=; no amino-acid change (proline 528 retained).
Molecular consequence: synonymous variant.
Genome position (GRCh38, 1-based): chr2:97,167,718, C>T. VCF-style: chr2-97167718-C-T. GRCh37 (hg19) VCF-style: chr2-97833455-C-T.
Identifiers: ClinVar variation 3778088 (VCV003778088.7).

ClinVar aggregate classification (germline): Likely benign (1 of 4 stars; one submission).

Submission:

CeGaT Center for Human Genetics Tuebingen
Classification: Likely benign. Last evaluated: 2025-03-01. Review status: criteria provided, single submitter. Criteria: CeGaT Center For Human Genetics Tuebingen Variant Classification Criteria Version 2. Collection method: clinical testing. Allele origin: germline. Affected: yes. Observed: 1 variant allele.
Comment: ANKRD36: PM2:Supporting, BP4, BP7